The following is an entry in ClinVar:

ClinVar aggregate classification (germline): Likely benign (1 of 4 stars; one submission).

Allele frequency attached by ClinVar (database versions not stated): ExAC 0.00002.

Submission:

CeGaT Center for Human Genetics Tuebingen
Classification: Likely benign. Last evaluated: 2026-08-01. Review status: criteria provided, single submitter. Criteria: CeGaT Center For Human Genetics Tuebingen Variant Classification Criteria Version 2. Collection method: clinical testing. Allele origin: germline. Affected: yes. Observed: 20 variant alleles.
Comment: TXNDC2: BP4, BP7

NM_032243.6(TXNDC2):c.801G>A (p.Glu267=)

Gene: TXNDC2 (thioredoxin domain containing 2; plus strand). Cytogenetic location: 18p11.22.
Variant type: single nucleotide variant.
Coding change: c.801G>A on transcript NM_032243.6 (MANE Select); coding-DNA position 801, G replaced by A.
Protein change: p.Glu267=; no amino-acid change (glutamic acid 267 retained).
Molecular consequence: synonymous variant.
Genome position (GRCh38, 1-based): chr18:9,887,481, G>A. VCF-style: chr18-9887481-G-A. GRCh37 (hg19) VCF-style: chr18-9887478-G-A.
Other names: c.1002G>A, p.Glu334= (NM_001098529.2); c.801G>A, p.Glu267= (NM_001098530.1).
Identifiers: ClinVar variation 2648570 (VCV002648570.24), dbSNP rs779804834, ClinGen allele CA8890416.